The following is an entry in ClinVar:

NM_201384.3(PLEC):c.1089G>C (p.Pro363=)

Gene: PLEC (plectin; minus strand). Cytogenetic location: 8q24.3.
Variant type: single nucleotide variant.
Coding change: c.1089G>C on transcript NM_201384.3 (MANE Select); coding-DNA position 1089, G replaced by C.
Protein change: p.Pro363=; no amino-acid change (proline 363 retained).
Molecular consequence: synonymous variant.
Genome position (GRCh38, 1-based): chr8:143,934,398, C>G on the plus strand (G>C on the coding strand, the complement: PLEC is on the minus strand). VCF-style: chr8-143934398-C-G. GRCh37 (hg19) VCF-style: chr8-145008566-C-G.
Other names: c.1170G>C, p.Pro390= (NM_000445.5, NM_001410941.1); c.1047G>C, p.Pro349= (NM_201378.4); c.1023G>C, p.Pro341= (NM_201379.3); c.1500G>C, p.Pro500= (NM_201380.4); c.993G>C, p.Pro331= (NM_201381.3); c.1089G>C, p.Pro363= (NM_201382.4); c.1101G>C, p.Pro367= (NM_201383.3).
Identifiers: ClinVar variation 4994241 (VCV004994241.1).

ClinVar aggregate classification (germline): Likely benign (1 of 4 stars; one submission).

Conditions:
PLEC-related disorder. Also called: PLEC-related disorders; PLEC-related condition.

Submission:

PreventionGenetics, part of Exact Sciences
Classification: Likely benign for PLEC-related condition. Last evaluated: 2026-04-22. Review status: criteria provided, single submitter. Criteria: ACMG Guidelines, 2015. Collection method: clinical testing. Allele origin: germline.
Comment: This variant is classified as likely benign based on ACMG/AMP sequence variant interpretation guidelines (Richards et al. 2015 PMID: 25741868, with internal and published modifications).